The following is an entry in ClinVar:

NM_001369.3(DNAH5):c.7430A>G (p.Gln2477Arg)

Gene: DNAH5 (dynein axonemal heavy chain 5; minus strand). Cytogenetic location: 5p15.2.
Variant type: single nucleotide variant.
Coding change: c.7430A>G on transcript NM_001369.3 (MANE Select); coding-DNA position 7430, A replaced by G.
Protein change: p.Gln2477Arg; replaces glutamine 2477 with arginine.
Molecular consequence: missense variant.
Genome position (GRCh38, 1-based): chr5:13,810,238, T>C on the plus strand (A>G on the coding strand, the complement: DNAH5 is on the minus strand). VCF-style: chr5-13810238-T-C. GRCh37 (hg19) VCF-style: chr5-13810347-T-C.
Other names: short protein forms Q2477R.
Identifiers: ClinVar variation 2201446 (VCV002201446.1), dbSNP rs2127015411, ClinGen allele CA359232423.
Genomic context (GRCh38, chr5:13,810,238, plus strand): 5'-TCCAGCGCCGCCCCCGCGCTCCACAGCAGCGCGAACACGAACAGCCGCCCCAGGTGAGCC[T>C]GGCTCACCTCCCCGCCTTGCTCCTGAGAAGGAAAGACACTTTTTTTTAATAACTTGATTC-3'
Protein context (NP_001360.1, residues 2467-2487): PLKEQGGEVS[Gln2477Arg]AHLGRLFVFA

ClinVar aggregate classification (germline): Uncertain significance (1 of 4 stars; one submission).

Conditions:
Primary ciliary dyskinesia. Also called: Ciliary dyskinesia. Identifiers: Orphanet 244, MedGen C0008780, MONDO:0016575, HP:0012265.

Allele frequency attached by ClinVar (database versions not stated): gnomAD exomes below 0.00001.
gnomAD v4.1: 3 of 1,550,566 alleles (0.00019%); highest among the groups gnomAD compares: Admixed American, 0.0039%; no homozygotes.

Submission:

Labcorp Genetics (formerly Invitae), Labcorp
Classification: Uncertain significance for Primary ciliary dyskinesia. Last evaluated: 2021-08-28. Review status: criteria provided, single submitter. Criteria: Invitae Variant Classification Sherloc (09022015). Collection method: clinical testing. Allele origin: germline.
Comment: This sequence change replaces glutamine with arginine at codon 2477 of the DNAH5 protein (p.Gln2477Arg). The glutamine residue is weakly conserved and there is a small physicochemical difference between glutamine and arginine. The frequency data for this variant in the population databases is considered unreliable, as metrics indicate insufficient coverage at this position in the ExAC database. This variant has not been reported in the literature in individuals affected with DNAH5-related conditions. Algorithms developed to predict the effect of missense changes on protein structure and function output the following: SIFT: "Tolerated"; PolyPhen-2: "Benign"; Align-GVGD: "Class C0". The arginine amino acid residue is found in multiple mammalian species, which suggests that this missense change does not adversely affect protein function. In summary, the available evidence is currently insufficient to determine the role of this variant in disease. Therefore, it has been classified as a Variant of Uncertain Significance.